The following is an entry in ClinVar:

ClinVar aggregate classification (germline): Uncertain significance (1 of 4 stars; one submission).

Submission:

GeneDx
Classification: Uncertain significance. Last evaluated: 2026-08-21. Review status: criteria provided, single submitter. Criteria: GeneDx Variant Classification Process June 2021. Collection method: clinical testing. Allele origin: germline.
Comment: Not observed at significant frequency in large population cohorts (gnomAD); In silico analysis supports that this missense variant has a deleterious effect on protein structure/function; Has not been previously published as pathogenic or benign to our knowledge

NM_032590.5(KDM2B):c.955C>T (p.Pro319Ser)

Gene: KDM2B (lysine demethylase 2B; minus strand). Cytogenetic location: 12q24.31.
Variant type: single nucleotide variant.
Coding change: c.955C>T on transcript NM_032590.5 (MANE Select); coding-DNA position 955, C replaced by T.
Protein change: p.Pro319Ser; replaces proline 319 with serine.
Molecular consequence: missense variant.
Genome position (GRCh38, 1-based): chr12:121,521,077, G>A on the plus strand (C>T on the coding strand, the complement: KDM2B is on the minus strand). VCF-style: chr12-121521077-G-A. GRCh37 (hg19) VCF-style: chr12-121958880-G-A.
Other names: c.862C>T, p.Pro288Ser (NM_001005366.2, NM_001439025.1, NM_001439026.1); c.1051C>T, p.Pro351Ser (NM_001439014.1, NM_001439015.1); c.1033C>T, p.Pro345Ser (NM_001439016.1); c.955C>T, p.Pro319Ser (NM_001439017.1, NM_001439018.1); c.940C>T, p.Pro314Ser (NM_001439020.1); c.922C>T, p.Pro308Ser (NM_001439021.1); c.892C>T, p.Pro298Ser (NM_001439022.1, NM_001439023.1, NM_001439029.1); c.844C>T, p.Pro282Ser (NM_001439028.1); short protein forms P282S, P288S, P298S, P308S, P314S, P319S, P345S, P351S.
Identifiers: ClinVar variation 4526963 (VCV004526963.2).